The following is an entry in ClinVar:

ClinVar aggregate classification (germline): Likely pathogenic. Review status: criteria provided, multiple submitters, no conflicts (2 of 4 stars). 2 submissions from 2 submitters: Likely pathogenic (2). Last evaluated 2024-12-11.

Conditions:
MEGF10-related myopathy (CMYO10A). Also called: Congenital myopathy 10A, severe variant. Identifiers: Orphanet 439212, MedGen C3280679, MONDO:0013731, OMIM 614399.
MEGF10-related disorder. Also called: MEGF10-related condition.

Allele frequency attached by ClinVar (database versions not stated): gnomAD 0.00001; TOPMed 0.00001; gnomAD exomes 0.00002.
gnomAD v4.1: 15 of 1,611,782 alleles (0.00093%); highest among the groups gnomAD compares: South Asian, 0.0066%; no homozygotes.

Submissions (2):

PreventionGenetics, part of Exact Sciences
Classification: Likely pathogenic for MEGF10-related condition. Last evaluated: 2024-12-11. Review status: criteria provided, single submitter. Criteria: ACMG Guidelines, 2015. Collection method: clinical testing. Allele origin: germline.
Comment: The MEGF10 c.2104+1G>A variant is predicted to disrupt the GT donor site and interfere with normal splicing. To our knowledge, this variant has not been reported in the literature. This variant is reported in 0.010% of alleles in individuals of South Asian descent in gnomAD. Variants that disrupt the consensus splice donor site in MEGF10 are expected to be pathogenic. This variant is interpreted as likely pathogenic.

Labcorp Genetics (formerly Invitae), Labcorp
Classification: Likely pathogenic for MEGF10-related myopathy. Last evaluated: 2022-12-29. Review status: criteria provided, single submitter. Criteria: Invitae Variant Classification Sherloc (09022015). Collection method: clinical testing. Allele origin: germline.
Comment: Algorithms developed to predict the effect of sequence changes on RNA splicing suggest that this variant may disrupt the consensus splice site. ClinVar contains an entry for this variant (Variation ID: 647055). This variant has not been reported in the literature in individuals affected with MEGF10-related conditions. This variant is present in population databases (no rsID available, gnomAD 0.01%). This sequence change affects a donor splice site in intron 17 of the MEGF10 gene. It is expected to disrupt RNA splicing. Variants that disrupt the donor or acceptor splice site typically lead to a loss of protein function (PMID: 16199547), and loss-of-function variants in MEGF10 are known to be pathogenic (PMID: 22101682, 22371254, 23453856, 23954233). In summary, the currently available evidence indicates that the variant is pathogenic, but additional data are needed to prove that conclusively. Therefore, this variant has been classified as Likely Pathogenic.

Literature cited by the submitters: PubMed 16199547 (cited by Labcorp Genetics (formerly Invitae), Labcorp); PubMed 22101682 (cited by Labcorp Genetics (formerly Invitae), Labcorp); PubMed 22371254 (cited by Labcorp Genetics (formerly Invitae), Labcorp); PubMed 23453856 (cited by Labcorp Genetics (formerly Invitae), Labcorp); PubMed 23954233 (cited by Labcorp Genetics (formerly Invitae), Labcorp).

NM_001256545.2(MEGF10):c.2104+1G>A

Gene: MEGF10 (multiple EGF like domains 10; plus strand). Cytogenetic location: 5q23.2.
Variant type: single nucleotide variant.
Coding change: c.2104+1G>A on transcript NM_001256545.2 (MANE Select); the canonical splice donor site of the intron after coding-DNA position 2104, G replaced by A.
Molecular consequence: splice donor variant.
Genome position (GRCh38, 1-based): chr5:127,435,490, G>A. VCF-style: chr5-127435490-G-A. GRCh37 (hg19) VCF-style: chr5-126771182-G-A.
Other names: c.2104+1G>A (NM_032446.3).
Identifiers: ClinVar variation 647055 (VCV000647055.8), dbSNP rs1298663120, ClinGen allele CA360732749.